The following is an entry in ClinVar:

NM_000379.4(XDH):c.2729C>T (p.Thr910Met)

Gene: XDH (xanthine dehydrogenase; minus strand). Cytogenetic location: 2p23.1.
Variant type: single nucleotide variant.
Coding change: c.2729C>T on transcript NM_000379.4 (MANE Select); coding-DNA position 2729, C replaced by T.
Protein change: p.Thr910Met; replaces threonine 910 with methionine.
Molecular consequence: missense variant.
Genome position (GRCh38, 1-based): chr2:31,350,126, G>A on the plus strand (C>T on the coding strand, the complement: XDH is on the minus strand). VCF-style: chr2-31350126-G-A. GRCh37 (hg19) VCF-style: chr2-31572992-G-A.
Other names: short protein forms T910M.
Identifiers: ClinVar variation 783325 (VCV000783325.15), dbSNP rs669884, ClinGen allele CA1598700.
Genomic context (GRCh38, chr2:31,350,126, plus strand): 5'-TCACTCATCCAGCACTCGGCAATGAGCATCCCCTGGGGCCCCCCAAAGCCCCGGAAGGCC[G>A]TGTTGGAGGGAAGGTTGGTTTTGCACAGCCGCCCAGTGCCCCGGATGTTGGGGATTTTAT-3'
Protein context (NP_000370.2, residues 900-920): RLCKTNLPSN[Thr910Met]AFRGFGGPQG

ClinVar aggregate classification (germline): Conflicting classifications of pathogenicity. Review status: criteria provided, conflicting classifications (1 of 4 stars). 4 submissions from 4 submitters: Likely pathogenic (2); Likely benign (2). Last evaluated 2026-04-30.

Conditions:
Xanthinuria type II. Also called: Xanthine dehydrogenase and aldehyde oxidase combined deficiency of; XDH and AOX dual deficiency. Identifiers: Orphanet 3467, Orphanet 93602, MedGen C1863688, MONDO:0011346, OMIM 603592.
XDH-related disorder. Also called: XDH-related condition.

Allele frequency attached by ClinVar (database versions not stated): gnomAD exomes 0.00027 and 0.00047; ExAC 0.00063; 1000 Genomes Project 0.00120; 1000 Genomes Project 30x 0.00125; ESP Exome Variant Server 0.00154; gnomAD 0.00179 and 0.00200; TOPMed 0.00217.
gnomAD v4.1: 657 of 1,614,224 alleles (0.041%); highest among the groups gnomAD compares: African/African-American, 0.65%; 1 homozygote.

Submissions (4):

PreventionGenetics, part of Exact Sciences
Classification: Likely pathogenic for XDH-related condition. Last evaluated: 2026-04-30. Review status: criteria provided, single submitter. Criteria: ACMG Guidelines, 2015. Collection method: clinical testing. Allele origin: germline.
Comment: The XDH c.2729C>T variant is predicted to result in the amino acid substitution p.Thr910Met. This variant has been reported in individuals with xanthinuria type I, although clinical presentation varied between patients and a second pathogenic variant was not always detected (Arikyants et al. 2006. PubMed ID: 17115198; Jurecka et al. 2010. PubMed ID: 20077140; Nakamura et al. 2012. PubMed ID: 22981351; Amin et al. 2016. PubMed ID: 25823987). Internally, we have identified this variant along with a loss-of-function variant in two individuals with clinical and/or biochemical features consistent with xanthinuria type I (PreventionGenetics, internal data). Functional studies in E. coli suggest the c.2729C>T variant has only ~10% activity of the normal enzyme (Nakamura et al. 2012. PubMed ID: 22981351). This variant is reported in 0.63% of alleles in individuals of African descent in gnomAD, including one homozygous individual. While this allele frequency is higher than may be expected for a pathogenic variant, it could be consistent with a variant that retains partial enzyme activity and/or for a disorder with reduced penetrance, variable expressivity, and a sometimes later age of onset. Based on these observations, we classify the c.2729C>T (p.Thr910Met) variant as likely pathogenic.

Labcorp Genetics (formerly Invitae), Labcorp
Classification: Likely benign for Xanthinuria type II. Last evaluated: 2025-11-07. Review status: criteria provided, single submitter. Criteria: Invitae Variant Classification Sherloc (09022015). Collection method: clinical testing. Allele origin: germline.

Blueprint Genetics
Classification: Likely pathogenic for XDH-related disorders. Last evaluated: 2024-03-26. Review status: criteria provided, single submitter. Criteria: ACMG Guidelines, 2015. Collection method: clinical testing. Allele origin: germline. Affected: yes. Observed: 5 variant alleles.

Breakthrough Genomics
Classification: Likely benign. Review status: criteria provided, single submitter. Criteria: ACMG Guidelines, 2015. Collection method: not provided. Allele origin: germline. Inheritance: Autosomal recessive inheritance. Affected: yes.